The following is an entry in ClinVar:

NM_201384.3(PLEC):c.3784G>C (p.Gly1262Arg)

Gene: PLEC (plectin; minus strand). Cytogenetic location: 8q24.3.
Variant type: single nucleotide variant.
Coding change: c.3784G>C on transcript NM_201384.3 (MANE Select); coding-DNA position 3784, G replaced by C.
Protein change: p.Gly1262Arg; replaces glycine 1262 with arginine.
Molecular consequence: missense variant.
Genome position (GRCh38, 1-based): chr8:143,927,308, C>G on the plus strand (G>C on the coding strand, the complement: PLEC is on the minus strand). VCF-style: chr8-143927308-C-G. GRCh37 (hg19) VCF-style: chr8-145001476-C-G.
Other names: c.3865G>C, p.Gly1289Arg (NM_000445.5); c.3742G>C, p.Gly1248Arg (NM_201378.4); c.3718G>C, p.Gly1240Arg (NM_201379.3); c.4195G>C, p.Gly1399Arg (NM_201380.4); c.3688G>C, p.Gly1230Arg (NM_201381.3); c.3784G>C, p.Gly1262Arg (NM_201382.4); c.3796G>C, p.Gly1266Arg (NM_201383.3); short protein forms G1248R, G1262R, G1266R, G1399R, G1230R, G1289R, G1240R.
Identifiers: ClinVar variation 934480 (VCV000934480.7), dbSNP rs782158050, ClinGen allele CA372564637.

ClinVar aggregate classification (germline): Uncertain significance (1 of 4 stars; one submission).

Conditions:
Epidermolysis bullosa simplex 5B, with muscular dystrophy (EBS5B). Also called: EPIDERMOLYSIS BULLOSA SIMPLEX AND LIMB-GIRDLE MUSCULAR DYSTROPHY; Epidermolysis bullosa simplex with muscular dystrophy. Identifiers: Orphanet 257, MedGen C2931072, MONDO:0009181, OMIM 226670.
Epidermolysis bullosa simplex, Ogna type (EBS5A). Also called: Pidermolysis bullosa simplex 5A, Ogna type; EPIDERMOLYSIS BULLOSA SIMPLEX 5A, OGNA TYPE. Identifiers: Orphanet 79401, MedGen C0432317, MONDO:0007555, OMIM 131950.
Epidermolysis bullosa simplex 5C, with pyloric atresia (EBS5C). Also called: Epidermolysis bullosa simplex with pyloric atresia; PLEC-Related Epidermolysis Bullosa with Pyloric Atresia; PLEC1-Related Epidermolysis Bullosa with Pyloric Atresia. Identifiers: Orphanet 158684, MedGen C2677349, MONDO:0012807, OMIM 612138.
Epidermolysis bullosa simplex with nail dystrophy (EBS5D). Identifiers: MedGen C4225309, MONDO:0014661, OMIM 616487.
Autosomal recessive limb-girdle muscular dystrophy type 2Q (LGMDR17). Also called: MUSCULAR DYSTROPHY, LIMB-GIRDLE, AUTOSOMAL RECESSIVE 17. Identifiers: Orphanet 254361, MedGen C3150989, MONDO:0013390, OMIM 613723.

Submission:

Labcorp Genetics (formerly Invitae), Labcorp
Classification: Uncertain significance for Autosomal recessive limb-girdle muscular dystrophy type 2Q; Epidermolysis bullosa simplex, Ogna type; Epidermolysis bullosa simplex with nail dystrophy; Epidermolysis bullosa simplex 5C, with pyloric atresia; Epidermolysis bullosa simplex 5B, with muscular dystrophy. Last evaluated: 2023-10-03. Review status: criteria provided, single submitter. Criteria: Invitae Variant Classification Sherloc (09022015). Collection method: clinical testing. Allele origin: germline.
Comment: This sequence change replaces glycine, which is neutral and non-polar, with arginine, which is basic and polar, at codon 1289 of the PLEC protein (p.Gly1289Arg). This variant is not present in population databases (gnomAD no frequency). This variant has not been reported in the literature in individuals affected with PLEC-related conditions. ClinVar contains an entry for this variant (Variation ID: 934480). Advanced modeling of protein sequence and biophysical properties (such as structural, functional, and spatial information, amino acid conservation, physicochemical variation, residue mobility, and thermodynamic stability) performed at Invitae indicates that this missense variant is not expected to disrupt PLEC protein function. In summary, the available evidence is currently insufficient to determine the role of this variant in disease. Therefore, it has been classified as a Variant of Uncertain Significance.